The following is an entry in ClinVar:

ClinVar aggregate classification (germline): Uncertain significance (1 of 4 stars; one submission).

Submission:

Ambry Genetics
Classification: Uncertain significance. Last evaluated: 2026-04-20. Review status: criteria provided, single submitter. Criteria: Ambry Variant Classification Scheme 2023. Collection method: clinical testing. Allele origin: germline.
Comment: The p.K1022N variant (also known as c.3066G>C), located in coding exon 1 of the TET2 gene, results from a G to C substitution at nucleotide position 3066. The lysine at codon 1022 is replaced by asparagine, an amino acid with similar properties. This amino acid position is conserved. In addition, this alteration is predicted to be tolerated by in silico analysis. Based on the available evidence, the clinical significance of this variant remains unclear.

NM_001127208.3(TET2):c.3066G>C (p.Lys1022Asn)

Genes: TET2 (tet methylcytosine dioxygenase 2; plus strand), TET2-AS1 (TET2 antisense RNA 1; minus strand). Cytogenetic location: 4q24.
Variant type: single nucleotide variant.
Coding change: c.3066G>C on transcript NM_001127208.3 (MANE Select); coding-DNA position 3066, G replaced by C.
Protein change: p.Lys1022Asn; replaces lysine 1022 with asparagine.
Molecular consequence: missense variant.
Genome position (GRCh38, 1-based): chr4:105,237,008, G>C. VCF-style: chr4-105237008-G-C. GRCh37 (hg19) VCF-style: chr4-106158165-G-C.
Other names: c.3066G>C, p.Lys1022Asn (NM_017628.4); short protein forms K1022N.
Identifiers: ClinVar variation 4865546 (VCV004865546.1).